The following is an entry in ClinVar:

ClinVar aggregate classification (germline): Uncertain significance (1 of 4 stars; one submission).

Allele frequency attached by ClinVar (database versions not stated): gnomAD exomes below 0.00001.
gnomAD v4.1: 1 of 1,613,672 alleles (0.000062%); highest among the groups gnomAD compares: Non-Finnish European, 0.000085%; no homozygotes.

Submission:

Labcorp Genetics (formerly Invitae), Labcorp
Classification: Uncertain significance. Last evaluated: 2021-12-17. Review status: criteria provided, single submitter. Criteria: Invitae Variant Classification Sherloc (09022015). Collection method: clinical testing. Allele origin: germline.
Comment: This variant is not present in population databases (gnomAD no frequency). In summary, the available evidence is currently insufficient to determine the role of this variant in disease. Therefore, it has been classified as a Variant of Uncertain Significance. Variants that disrupt the consensus splice site are a relatively common cause of aberrant splicing (PMID: 17576681, 9536098). Experimental studies and prediction algorithms are not available or were not evaluated, and the effect of this variant on mRNA splicing is currently unknown. This variant has not been reported in the literature in individuals affected with MYO18B-related conditions. This sequence change falls in intron 16 of the MYO18B gene. It does not directly change the encoded amino acid sequence of the MYO18B protein. It affects a nucleotide within the consensus splice site.

Literature cited by the submitters: PubMed 17576681; PubMed 9536098.

NM_032608.7(MYO18B):c.3060+6A>G

Gene: MYO18B (myosin XVIIIB; plus strand). Cytogenetic location: 22q12.1.
Variant type: single nucleotide variant.
Coding change: c.3060+6A>G on transcript NM_032608.7 (MANE Select); 6 bases into the intron after coding-DNA position 3060, A replaced by G.
Molecular consequence: intron variant.
Genome position (GRCh38, 1-based): chr22:25,833,003, A>G. VCF-style: chr22-25833003-A-G. GRCh37 (hg19) VCF-style: chr22-26228970-A-G.
Other names: c.3060+6A>G (NM_001318245.2).
Identifiers: ClinVar variation 1934884 (VCV001934884.5), dbSNP rs2517520081, ClinGen allele CA2577671132.